The following is an entry in ClinVar:

NM_000171.4(GLRA1):c.165G>C (p.Arg55Ser)

Gene: GLRA1 (glycine receptor alpha 1; minus strand). Cytogenetic location: 5q33.1.
Variant type: single nucleotide variant.
Coding change: c.165G>C on transcript NM_000171.4 (MANE Select); coding-DNA position 165, G replaced by C.
Protein change: p.Arg55Ser; replaces arginine 55 with serine.
Molecular consequence: missense variant. On other transcripts: intron variant (1).
Genome position (GRCh38, 1-based): chr5:151,892,330, C>G on the plus strand (G>C on the coding strand, the complement: GLRA1 is on the minus strand). VCF-style: chr5-151892330-C-G. GRCh37 (hg19) VCF-style: chr5-151271891-C-G.
Other names: c.165G>C, p.Arg55Ser (NM_001146040.2); c.-65-5542G>C (NM_001292000.2); short protein forms R55S.
Identifiers: ClinVar variation 1310296 (VCV001310296.7), dbSNP rs1396622824, ClinGen allele CA361847888.
Genomic context (GRCh38, chr5:151,892,330, plus strand): 5'-AAAGCATTTCCCTGTGGGTCTGGAAGGAATATTTTCTCTACCTTTAAAATTGGGCCTGAT[C>G]CTGGCATCATATCCGGAGGTTCTCCCCATTAGCTTATCCAGGAAATCCGAGGGTGACATA-3'
Protein context (NP_000162.2, residues 45-65): LMGRTSGYDA[Arg55Ser]IRPNFKGPPV

ClinVar aggregate classification (germline): Uncertain significance. Review status: criteria provided, multiple submitters, no conflicts (2 of 4 stars). 2 submissions from 2 submitters: Uncertain significance (2). Last evaluated 2025-04-14.

Conditions:
Hereditary hyperekplexia. Identifiers: Orphanet 3197, MedGen C4084968, MONDO:0021022.

Allele frequency attached by ClinVar (database versions not stated): gnomAD exomes below 0.00001 and 0.00001; gnomAD 0.00001; TOPMed 0.00001.
gnomAD v4.1: 3 of 1,613,892 alleles (0.00019%); highest among the groups gnomAD compares: African/African-American, 0.004%; no homozygotes.

Submissions (2):

Labcorp Genetics (formerly Invitae), Labcorp
Classification: Uncertain significance for Hereditary hyperekplexia. Last evaluated: 2025-04-14. Review status: criteria provided, single submitter. Criteria: Invitae Variant Classification Sherloc (09022015). Collection method: clinical testing. Allele origin: germline.
Comment: This sequence change replaces arginine, which is basic and polar, with serine, which is neutral and polar, at codon 55 of the GLRA1 protein (p.Arg55Ser). This variant is present in population databases (no rsID available, gnomAD 0.01%). This variant has not been reported in the literature in individuals affected with GLRA1-related conditions. ClinVar contains an entry for this variant (Variation ID: 1310296). Invitae Evidence Modeling of protein sequence and biophysical properties (such as structural, functional, and spatial information, amino acid conservation, physicochemical variation, residue mobility, and thermodynamic stability) indicates that this missense variant is not expected to disrupt GLRA1 protein function with a negative predictive value of 80%. In summary, the available evidence is currently insufficient to determine the role of this variant in disease. Therefore, it has been classified as a Variant of Uncertain Significance.

GeneDx
Classification: Uncertain significance. Last evaluated: 2019-11-15. Review status: criteria provided, single submitter. Criteria: GeneDx Variant Classification Process June 2021. Collection method: clinical testing. Allele origin: germline. Affected: yes.
Comment: Has not been previously published as pathogenic or benign to our knowledge; In silico analysis, which includes protein predictors and evolutionary conservation, supports a deleterious effect